The following is an entry in ClinVar:

NM_018136.5(ASPM):c.2137C>T (p.Pro713Ser)

Gene: ASPM (assembly factor for spindle microtubules; minus strand). Cytogenetic location: 1q31.3.
Variant type: single nucleotide variant.
Coding change: c.2137C>T on transcript NM_018136.5 (MANE Select); coding-DNA position 2137, C replaced by T.
Protein change: p.Pro713Ser; replaces proline 713 with serine.
Molecular consequence: missense variant.
Genome position (GRCh38, 1-based): chr1:197,135,132, G>A on the plus strand (C>T on the coding strand, the complement: ASPM is on the minus strand). VCF-style: chr1-197135132-G-A. GRCh37 (hg19) VCF-style: chr1-197104262-G-A.
Other names: c.2137C>T, p.Pro713Ser (NM_001206846.2); short protein forms P713S.
Identifiers: ClinVar variation 2046567 (VCV002046567.4), dbSNP rs1417497573, ClinGen allele CA344010367.

ClinVar aggregate classification (germline): Uncertain significance (1 of 4 stars; one submission).

Submission:

Labcorp Genetics (formerly Invitae), Labcorp
Classification: Uncertain significance. Last evaluated: 2021-12-18. Review status: criteria provided, single submitter. Criteria: Invitae Variant Classification Sherloc (09022015). Collection method: clinical testing. Allele origin: germline.
Comment: This sequence change replaces proline, which is neutral and non-polar, with serine, which is neutral and polar, at codon 713 of the ASPM protein (p.Pro713Ser). This variant is not present in population databases (gnomAD no frequency). This variant has not been reported in the literature in individuals affected with ASPM-related conditions. Algorithms developed to predict the effect of missense changes on protein structure and function (SIFT, PolyPhen-2, Align-GVGD) all suggest that this variant is likely to be disruptive. In summary, the available evidence is currently insufficient to determine the role of this variant in disease. Therefore, it has been classified as a Variant of Uncertain Significance.